The following is an entry in ClinVar:

NM_001384474.1(LOXHD1):c.2943G>A (p.Pro981=)

Gene: LOXHD1 (lipoxygenase homology PLAT domains 1; minus strand). Cytogenetic location: 18q21.1.
Variant type: single nucleotide variant.
Coding change: c.2943G>A on transcript NM_001384474.1 (MANE Select); coding-DNA position 2943, G replaced by A.
Protein change: p.Pro981=; no amino-acid change (proline 981 retained).
Molecular consequence: synonymous variant.
Genome position (GRCh38, 1-based): chr18:46,560,201, C>T on the plus strand (G>A on the coding strand, the complement: LOXHD1 is on the minus strand). VCF-style: chr18-46560201-C-T. GRCh37 (hg19) VCF-style: chr18-44140164-C-T.
Other names: c.2943G>A, p.Pro981= (NM_144612.7).
Identifiers: ClinVar variation 757521 (VCV000757521.31), dbSNP rs374083353, ClinGen allele CA8952592.

ClinVar aggregate classification (germline): Likely benign. Review status: criteria provided, multiple submitters, no conflicts (2 of 4 stars). 2 submissions from 2 submitters: Likely benign (2). Last evaluated 2025-02-18.

Allele frequency attached by ClinVar (database versions not stated): gnomAD exomes 0.00005 and 0.00007; ExAC 0.00009; gnomAD 0.00016 and 0.00019; ESP Exome Variant Server 0.00022; TOPMed 0.00022.
gnomAD v4.1: 99 of 1,551,734 alleles (0.0064%); highest among the groups gnomAD compares: African/African-American, 0.041%; no homozygotes.

Submissions (2):

Labcorp Genetics (formerly Invitae), Labcorp
Classification: Likely benign. Last evaluated: 2025-02-18. Review status: criteria provided, single submitter. Criteria: Invitae Variant Classification Sherloc (09022015). Collection method: clinical testing. Allele origin: germline.

CeGaT Center for Human Genetics Tuebingen
Classification: Likely benign. Last evaluated: 2023-12-01. Review status: criteria provided, single submitter. Criteria: CeGaT Center For Human Genetics Tuebingen Variant Classification Criteria Version 2. Collection method: clinical testing. Allele origin: germline. Affected: yes. Observed: 1 variant allele.
Comment: LOXHD1: BP4, BP7